The following is an entry in ClinVar:

ClinVar aggregate classification (germline): Uncertain significance (1 of 4 stars; one submission).

Conditions:
Autosomal dominant Parkinson disease 8. Also called: LRRK2-Related Parkinson Disease; Parkinson disease 8; Parkinson disease 8, susceptibility to. Identifiers: Orphanet 411602, MedGen C1846862, MONDO:0011764, OMIM 607060.

Allele frequency attached by ClinVar (database versions not stated): gnomAD exomes 0.00001 and 0.00003; ExAC 0.00002; TOPMed 0.00002; gnomAD 0.00006 and 0.00007; 1000 Genomes Project 30x 0.00031.
gnomAD v4.1: 30 of 1,609,138 alleles (0.0019%); highest among the groups gnomAD compares: Admixed American, 0.022%; no homozygotes.

Submission:

Labcorp Genetics (formerly Invitae), Labcorp
Classification: Uncertain significance for Autosomal dominant Parkinson disease 8. Last evaluated: 2025-04-10. Review status: criteria provided, single submitter. Criteria: Invitae Variant Classification Sherloc (09022015). Collection method: clinical testing. Allele origin: germline.
Comment: This sequence change replaces serine, which is neutral and polar, with glycine, which is neutral and non-polar, at codon 128 of the LRRK2 protein (p.Ser128Gly). This variant is present in population databases (rs187299177, gnomAD 0.02%). This variant has not been reported in the literature in individuals affected with LRRK2-related conditions. ClinVar contains an entry for this variant (Variation ID: 840701). Invitae Evidence Modeling of protein sequence and biophysical properties (such as structural, functional, and spatial information, amino acid conservation, physicochemical variation, residue mobility, and thermodynamic stability) has been performed for this missense variant. However, the output from this modeling did not meet the statistical confidence thresholds required to predict the impact of this variant on LRRK2 protein function. In summary, the available evidence is currently insufficient to determine the role of this variant in disease. Therefore, it has been classified as a Variant of Uncertain Significance.

NM_198578.4(LRRK2):c.382A>G (p.Ser128Gly)

Gene: LRRK2 (leucine rich repeat kinase 2; plus strand). Cytogenetic location: 12q12.
Variant type: single nucleotide variant.
Coding change: c.382A>G on transcript NM_198578.4 (MANE Select); coding-DNA position 382, A replaced by G.
Protein change: p.Ser128Gly; replaces serine 128 with glycine.
Molecular consequence: missense variant.
Genome position (GRCh38, 1-based): chr12:40,235,660, A>G. VCF-style: chr12-40235660-A-G. GRCh37 (hg19) VCF-style: chr12-40629462-A-G.
Other names: short protein forms S128G.
Identifiers: ClinVar variation 840701 (VCV000840701.10), dbSNP rs187299177, ClinGen allele CA6513075.